The following is an entry in ClinVar:

NM_001369.3(DNAH5):c.4936A>T (p.Lys1646Ter)

Genes: DNAH5 (dynein axonemal heavy chain 5; minus strand), LOC126807318 (MED14-independent group 3 enhancer GRCh37_chr5:13858976-13860175; plus strand). Cytogenetic location: 5p15.2.
Variant type: single nucleotide variant.
Coding change: c.4936A>T on transcript NM_001369.3 (MANE Select); coding-DNA position 4936, A replaced by T.
Protein change: p.Lys1646Ter; replaces lysine 1646 with a stop codon.
Molecular consequence: nonsense.
Genome position (GRCh38, 1-based): chr5:13,859,466, T>A on the plus strand (A>T on the coding strand, the complement: DNAH5 is on the minus strand). VCF-style: chr5-13859466-T-A. GRCh37 (hg19) VCF-style: chr5-13859575-T-A.
Other names: short protein forms K1646*.
Identifiers: ClinVar variation 2971455 (VCV002971455.3), dbSNP rs775506164, ClinGen allele CA359219439.

ClinVar aggregate classification (germline): Pathogenic (1 of 4 stars; one submission).

Conditions:
Primary ciliary dyskinesia. Also called: Ciliary dyskinesia. Identifiers: Orphanet 244, MedGen C0008780, MONDO:0016575, HP:0012265.

Submission:

Labcorp Genetics (formerly Invitae), Labcorp
Classification: Pathogenic for Primary ciliary dyskinesia. Last evaluated: 2022-12-10. Review status: criteria provided, single submitter. Criteria: Invitae Variant Classification Sherloc (09022015). Collection method: clinical testing. Allele origin: germline.
Comment: This sequence change creates a premature translational stop signal (p.Lys1646*) in the DNAH5 gene. It is expected to result in an absent or disrupted protein product. Loss-of-function variants in DNAH5 are known to be pathogenic (PMID: 11788826, 16627867). This variant is not present in population databases (gnomAD no frequency). This premature translational stop signal has been observed in individual(s) with DNAH5-related conditions (PMID: 31638833). For these reasons, this variant has been classified as Pathogenic.

Literature cited by the submitters: PubMed 11788826; PubMed 16627867; PubMed 31638833.